The following is an entry in ClinVar:

ClinVar aggregate classification (germline): Uncertain significance. Review status: criteria provided, multiple submitters, no conflicts (2 of 4 stars). 2 submissions from 2 submitters: Uncertain significance (2). Last evaluated 2025-12-16.

Conditions:
Inborn genetic diseases. Identifiers: MedGen C0950123, MeSH D030342.
SOX17-related disorder. Also called: SOX17-related condition.

Allele frequency attached by ClinVar (database versions not stated): gnomAD 0.00001; TOPMed 0.00001; ExAC 0.00012.
gnomAD v4.1: 32 of 1,589,970 alleles (0.002%); highest among the groups gnomAD compares: South Asian, 0.036%; no homozygotes.

Submissions (2):

Ambry Genetics
Classification: Uncertain significance for Inborn genetic diseases. Last evaluated: 2025-12-16. Review status: criteria provided, single submitter. Criteria: Ambry Variant Classification Scheme 2023. Collection method: clinical testing. Allele origin: germline.

PreventionGenetics, part of Exact Sciences
Classification: Uncertain significance for SOX17-related condition. Last evaluated: 2022-09-16. Review status: criteria provided, single submitter. Criteria: ACMG Guidelines, 2015. Collection method: clinical testing. Allele origin: germline.
Comment: The SOX17 c.51G>T variant is predicted to result in the amino acid substitution p.Gln17His. To our knowledge, this variant has not been reported in the literature. This variant is reported in 0.025% of alleles in individuals of South Asian descent in gnomAD. Although we suspect that this variant may be benign, at this time, the clinical significance of this variant is uncertain due to the absence of conclusive functional and genetic evidence.

NM_022454.4(SOX17):c.51G>T (p.Gln17His)

Gene: SOX17 (SRY-box transcription factor 17; plus strand). Cytogenetic location: 8q11.23.
Variant type: single nucleotide variant.
Coding change: c.51G>T on transcript NM_022454.4 (MANE Select); coding-DNA position 51, G replaced by T.
Protein change: p.Gln17His; replaces glutamine 17 with histidine.
Molecular consequence: missense variant.
Genome position (GRCh38, 1-based): chr8:54,458,189, G>T. VCF-style: chr8-54458189-G-T. GRCh37 (hg19) VCF-style: chr8-55370749-G-T.
Other names: short protein forms Q17H.
Identifiers: ClinVar variation 2636949 (VCV002636949.2), dbSNP rs764703863, ClinGen allele CA4750795.
Genomic context (GRCh38, chr8:54,458,189, plus strand): 5'-CTGGAGCGCCATGAGCAGCCCGGATGCGGGATACGCCAGTGACGACCAGAGCCAGACCCA[G>T]AGCGCGCTGCCCGCGGTGATGGCCGGGCTGGGCCCCTGCCCCTGGGCCGAGTCGCTGAGC-3'
Protein context (NP_071899.1, residues 7-27): GYASDDQSQT[Gln17His]SALPAVMAGL